The following is an entry in ClinVar:

ClinVar aggregate classification (germline): Benign/Likely benign. Review status: criteria provided, multiple submitters, no conflicts (2 of 4 stars). 3 submissions from 3 submitters: Benign (1); Likely benign (2). Last evaluated 2025-03-17.

Conditions:
Paragangliomas with sensorineural hearing loss. Identifiers: MedGen C1868633.
Cowden syndrome 3 (CWS3). Identifiers: Orphanet 201, MedGen CN166604, MONDO:0014045.
Carney-Stratakis syndrome. Also called: PARAGANGLIOMA AND GASTROINTESTINAL STROMAL TUMOR. Identifiers: Orphanet 97286, MedGen C1847319, MONDO:0011740, OMIM 606864.
Pheochromocytoma. Also called: MAX-Related Hereditary Paraganglioma-Pheochromocytoma Syndrome. Identifiers: Orphanet 29072, MedGen C0031511, MONDO:0008233, OMIM 171300, HP:0002666.
Hereditary cancer-predisposing syndrome. Also called: Hereditary neoplastic syndrome; Tumor predisposition; Neoplastic Syndromes, Hereditary; Hereditary Cancer Syndrome. Identifiers: Orphanet 140162, MedGen C0027672, MeSH D009386, MONDO:0015356.
Pheochromocytoma/paraganglioma syndrome 1. Also called: Paraganglioma - glomus jugulare; SDHD-Related Hereditary Paraganglioma-Pheochromocytoma Syndrome; PARAGANGLIOMATA; Paragangliomas 1; Glomus tumors familial 1; PARAGANGLIOMAS, FAMILIAL NONCHROMAFFIN, 1. Identifiers: Orphanet 29072, MedGen C3494181, MONDO:0008192, OMIM 168000.

Submissions (3):

Myriad Genetics, Inc.
Classification: Benign for Pheochromocytoma/paraganglioma syndrome 1. Last evaluated: 2025-03-17. Review status: criteria provided, single submitter. Criteria: Myriad Autosomal Dominant, Autosomal Recessive and X-Linked Classification Criteria (2023). Collection method: clinical testing. Allele origin: unknown.
Comment: This variant is considered benign. This variant is a silent/synonymous amino acid change and it is not expected to impact splicing.

Labcorp Genetics (formerly Invitae), Labcorp
Classification: Likely benign for Carney-Stratakis syndrome; Paragangliomas with sensorineural hearing loss; Pheochromocytoma; Cowden syndrome 3. Last evaluated: 2023-11-10. Review status: criteria provided, single submitter. Criteria: Invitae Variant Classification Sherloc (09022015). Collection method: clinical testing. Allele origin: germline.

Ambry Genetics
Classification: Likely benign for Hereditary cancer-predisposing syndrome. Last evaluated: 2020-08-15. Review status: criteria provided, single submitter. Criteria: Ambry Variant Classification Scheme 2023. Collection method: clinical testing. Allele origin: germline.

NM_003002.4(SDHD):c.183T>C (p.Ala61=)

Gene: SDHD (succinate dehydrogenase complex subunit D; plus strand). Cytogenetic location: 11q23.1.
Variant type: single nucleotide variant.
Coding change: c.183T>C on transcript NM_003002.4 (MANE Select); coding-DNA position 183, T replaced by C.
Protein change: p.Ala61=; no amino-acid change (alanine 61 retained).
Molecular consequence: synonymous variant. On other transcripts: non-coding transcript variant (1), intron variant (1).
Genome position (GRCh38, 1-based): chr11:112,088,880, T>C. VCF-style: chr11-112088880-T-C. GRCh37 (hg19) VCF-style: chr11-111959604-T-C.
Other names: c.66T>C, p.Ala22= (NM_001276504.2); c.183T>C, p.Ala61= (NM_001276506.2); c.169+907T>C (NM_001276503.2).
Identifiers: ClinVar variation 1105919 (VCV001105919.13), dbSNP rs2135269188, ClinGen allele CA476790287.